The following is an entry in ClinVar:

NM_003482.4(KMT2D):c.9563C>T (p.Thr3188Met)

Gene: KMT2D (lysine methyltransferase 2D; minus strand). Cytogenetic location: 12q13.12.
Variant type: single nucleotide variant.
Coding change: c.9563C>T on transcript NM_003482.4 (MANE Select); coding-DNA position 9563, C replaced by T.
Protein change: p.Thr3188Met; replaces threonine 3188 with methionine.
Molecular consequence: missense variant.
Genome position (GRCh38, 1-based): chr12:49,037,793, G>A on the plus strand (C>T on the coding strand, the complement: KMT2D is on the minus strand). VCF-style: chr12-49037793-G-A. GRCh37 (hg19) VCF-style: chr12-49431576-G-A.
Other names: short protein forms T3188M.
Identifiers: ClinVar variation 1494813 (VCV001494813.7), dbSNP rs762206028, ClinGen allele CA6546670.
Genomic context (GRCh38, chr12:49,037,793, plus strand): 5'-GAGGATCCTCCTGGGCCACTCAGTGGGCTGGGGGTCAGCAGGTGAGCTGGTGGTCCTCCC[G>A]TGGCCCCAAAGGAGGCCTTCTCAGCTGTGTGCCCACTGCTAGAAAATGGCCCTGTGCCCA-3'
Protein context (NP_003473.3, residues 3178-3198): HTAEKASFGA[Thr3188Met]GGPPAHLLTP

ClinVar aggregate classification (germline): Conflicting classifications of pathogenicity. Review status: criteria provided, conflicting classifications (1 of 4 stars). 2 submissions from 2 submitters: Uncertain significance (1); Benign (1). Last evaluated 2025-10-23.

Conditions:
Kabuki syndrome. Also called: Kabuki make-up syndrome; NIIKAWA-KUROKI SYNDROME. Identifiers: Orphanet 2322, MedGen C0796004, MONDO:0016512.

Allele frequency attached by ClinVar (database versions not stated): ExAC 0.00002; gnomAD exomes 0.00002 and 0.00003.
gnomAD v4.1: 37 of 1,596,556 alleles (0.0023%); highest among the groups gnomAD compares: Non-Finnish European, 0.003%; no homozygotes.

Submissions (2):

Labcorp Genetics (formerly Invitae), Labcorp
Classification: Benign for Kabuki syndrome. Last evaluated: 2025-10-23. Review status: criteria provided, single submitter. Criteria: Invitae Variant Classification Sherloc (09022015). Collection method: clinical testing. Allele origin: germline.

Women's Health and Genetics/Laboratory Corporation of America, LabCorp
Classification: Uncertain significance. Last evaluated: 2025-03-04. Review status: criteria provided, single submitter. Criteria: LabCorp Variant Classification Summary - May 2015. Collection method: clinical testing. Allele origin: germline.
Comment: Variant summary: KMT2D c.9563C>T (p.Thr3188Met) results in a non-conservative amino acid change in the encoded protein sequence. Five of five in-silico tools predict a damaging effect of the variant on protein function. The variant allele was found at a frequency of 2.3e-05 in 219524 control chromosomes. The available data on variant occurrences in the general population are insufficient to allow any conclusion about variant significance. To our knowledge, no occurrence of c.9563C>T in individuals affected with Kabuki Syndrome 1 and no experimental evidence demonstrating its impact on protein function have been reported. ClinVar contains an entry for this variant (Variation ID: 1494813). Based on the evidence outlined above, the variant was classified as uncertain significance.